The following is an entry in ClinVar:

NM_002016.2(FLG):c.6390A>G (p.Ala2130=)

Genes: CCDST (cervical cancer associated DHX9 suppressive transcript; plus strand), FLG (filaggrin; minus strand). Cytogenetic location: 1q21.3.
Variant type: single nucleotide variant.
Coding change: c.6390A>G on transcript NM_002016.2 (MANE Select); coding-DNA position 6390, A replaced by G.
Protein change: p.Ala2130=; no amino-acid change (alanine 2130 retained).
Molecular consequence: synonymous variant.
Genome position (GRCh38, 1-based): chr1:152,308,496, T>C on the plus strand (A>G on the coding strand, the complement: FLG is on the minus strand). VCF-style: chr1-152308496-T-C. GRCh37 (hg19) VCF-style: chr1-152280972-T-C.
Identifiers: ClinVar variation 2639278 (VCV002639278.25), dbSNP rs760770197, ClinGen allele CA1105260.
Genomic context (GRCh38, chr1:152,308,496, plus strand): 5'-CTGTCTTCCTCCTCTGCTTGGCCCCGGGTGTCCACGAATGGTGTCCTGACCCTCTTGGGA[T>C]GCTGAGTGCCTGGAGCTGTCTTGTGCCTGATCATAATGGGATCCTTGTCTTCCTCCAGTG-3'
Protein context (NP_002007.1, residues 2120-2140): DQAQDSSRHS[Ala2130=]SQEGQDTIRG

ClinVar aggregate classification (germline): Likely benign. Review status: criteria provided, multiple submitters, no conflicts (2 of 4 stars). 2 submissions from 2 submitters: Likely benign (2). Last evaluated 2024-11-25.

Allele frequency attached by ClinVar (database versions not stated): 1000 Genomes Project 30x 0.00062.

Submissions (2):

Blueprint Genetics
Classification: Likely benign. Last evaluated: 2024-11-25. Review status: criteria provided, single submitter. Criteria: ACMG Guidelines, 2015. Collection method: clinical testing. Allele origin: germline.

CeGaT Center for Human Genetics Tuebingen
Classification: Likely benign. Last evaluated: 2023-08-01. Review status: criteria provided, single submitter. Criteria: CeGaT Center For Human Genetics Tuebingen Variant Classification Criteria Version 2. Collection method: clinical testing. Allele origin: germline. Affected: yes. Observed: 1 variant allele.
Comment: FLG: BP4, BP7